The following is an entry in ClinVar:

ClinVar aggregate classification (germline): Uncertain significance (1 of 4 stars; one submission).

Conditions:
Long QT syndrome (LQTS). Identifiers: MedGen C0023976, MeSH D008133, MONDO:0002442. Disease mechanism: loss of function. Inheritance: Various modes of inheritance.

gnomAD v4.1: 2 of 1,613,822 alleles (0.00012%); highest among the groups gnomAD compares: African/African-American, 0.0027%; no homozygotes.

Submission:

Labcorp Genetics (formerly Invitae), Labcorp
Classification: Uncertain significance for Long QT syndrome. Last evaluated: 2025-10-18. Review status: criteria provided, single submitter. Criteria: Invitae Variant Classification Sherloc (09022015). Collection method: clinical testing. Allele origin: germline.
Comment: This sequence change replaces isoleucine, which is neutral and non-polar, with leucine, which is neutral and non-polar, at codon 394 of the KCNQ1 protein (p.Ile394Leu). This variant is present in population databases (no rsID available, gnomAD 0.01%). This variant has not been reported in the literature in individuals affected with KCNQ1-related conditions. Invitae Evidence Modeling of protein sequence and biophysical properties (such as structural, functional, and spatial information, amino acid conservation, physicochemical variation, residue mobility, and thermodynamic stability) indicates that this missense variant is not expected to disrupt KCNQ1 protein function with a negative predictive value of 95%. In summary, the available evidence is currently insufficient to determine the role of this variant in disease. Therefore, it has been classified as a Variant of Uncertain Significance.

NM_000218.3(KCNQ1):c.1180A>C (p.Ile394Leu)

Gene: KCNQ1 (potassium voltage-gated channel subfamily Q member 1; plus strand). Cytogenetic location: 11p15.5.
Variant type: single nucleotide variant.
Coding change: c.1180A>C on transcript NM_000218.3 (MANE Select); coding-DNA position 1180, A replaced by C.
Protein change: p.Ile394Leu; replaces isoleucine 394 with leucine.
Molecular consequence: missense variant.
Genome position (GRCh38, 1-based): chr11:2,587,621, A>C. VCF-style: chr11-2587621-A-C. GRCh37 (hg19) VCF-style: chr11-2608851-A-C.
Other names: c.1084A>C, p.Ile362Leu (NM_001406836.1); c.910A>C, p.Ile304Leu (NM_001406837.1); c.640A>C, p.Ile214Leu (NM_001406838.1); c.799A>C, p.Ile267Leu (NM_181798.2); short protein forms I214L, I267L, I304L, I362L, I394L.
Identifiers: ClinVar variation 4797111 (VCV004797111.1).